The following is an entry in ClinVar:

ClinVar aggregate classification (germline): Uncertain significance. Review status: criteria provided, multiple submitters, no conflicts (2 of 4 stars). 4 submissions from 4 submitters: Uncertain significance (4). Last evaluated 2025-10-17.

Conditions:
Inborn genetic diseases. Identifiers: MedGen C0950123, MeSH D030342.
Nephronophthisis. Also called: Juvenile Nephronophthisis. Identifiers: Orphanet 655, MedGen C0687120, MONDO:0019005, HP:0000090.
Senior-Loken syndrome 5 (SLSN5). Identifiers: Orphanet 3156, MedGen C1836517, MONDO:0012225, OMIM 609254.

Allele frequency attached by ClinVar (database versions not stated): gnomAD exomes 0.00001 and 0.00002; TOPMed 0.00001.
gnomAD v4.1: 7 of 1,614,186 alleles (0.00043%); highest among the groups gnomAD compares: Admixed American, 0.012%; no homozygotes.

Submissions (4):

Ambry Genetics
Classification: Uncertain significance for Inborn genetic diseases. Last evaluated: 2025-10-17. Review status: criteria provided, single submitter. Criteria: Ambry Variant Classification Scheme 2023. Collection method: clinical testing. Allele origin: germline.

Fulgent Genetics
Classification: Uncertain significance for Senior-Loken syndrome 5. Last evaluated: 2024-03-18. Review status: criteria provided, single submitter. Criteria: ACMG Guidelines, 2015. Collection method: clinical testing. Allele origin: germline.

Labcorp Genetics (formerly Invitae), Labcorp
Classification: Uncertain significance for Nephronophthisis. Last evaluated: 2022-02-03. Review status: criteria provided, single submitter. Criteria: Invitae Variant Classification Sherloc (09022015). Collection method: clinical testing. Allele origin: germline.
Comment: In summary, the available evidence is currently insufficient to determine the role of this variant in disease. Therefore, it has been classified as a Variant of Uncertain Significance. Algorithms developed to predict the effect of missense changes on protein structure and function are either unavailable or do not agree on the potential impact of this missense change (SIFT: "Deleterious"; PolyPhen-2: "Possibly Damaging"; Align-GVGD: "Class C0"). ClinVar contains an entry for this variant (Variation ID: 1009255). This variant has not been reported in the literature in individuals affected with IQCB1-related conditions. This variant is present in population databases (no rsID available, gnomAD 0.01%). This sequence change replaces aspartic acid, which is acidic and polar, with histidine, which is basic and polar, at codon 581 of the IQCB1 protein (p.Asp581His).

Blueprint Genetics
Classification: Uncertain significance. Last evaluated: 2019-01-03. Review status: criteria provided, single submitter. Criteria: ACMG Guidelines, 2015. Collection method: clinical testing. Allele origin: germline.

NM_001023570.4(IQCB1):c.1741G>C (p.Asp581His)

Gene: IQCB1 (IQ motif containing B1; minus strand). Cytogenetic location: 3q13.33.
Variant type: single nucleotide variant.
Coding change: c.1741G>C on transcript NM_001023570.4 (MANE Select); coding-DNA position 1741, G replaced by C.
Protein change: p.Asp581His; replaces aspartic acid 581 with histidine.
Molecular consequence: missense variant. On other transcripts: non-coding transcript variant (1).
Genome position (GRCh38, 1-based): chr3:121,770,401, C>G on the plus strand (G>C on the coding strand, the complement: IQCB1 is on the minus strand). VCF-style: chr3-121770401-C-G. GRCh37 (hg19) VCF-style: chr3-121489248-C-G.
Other names: c.1342G>C, p.Asp448His (NM_001023571.4); c.1741G>C, p.Asp581His (NM_001319107.2); c.1741G>C (NM_001023570.2); short protein forms D448H, D581H.
Identifiers: ClinVar variation 1009255 (VCV001009255.11), dbSNP rs1283756243, ClinGen allele CA354108508.